The following is an entry in ClinVar:

ClinVar aggregate classification (germline): Pathogenic. Review status: criteria provided, multiple submitters, no conflicts (2 of 4 stars). 2 submissions from 2 submitters: Pathogenic (2). Last evaluated 2024-04-29.

Conditions:
Hereditary nonpolyposis colorectal neoplasms. Identifiers: MedGen C0009405, MeSH D003123.
Lynch syndrome 5 (LYNCH5). Also called: Hereditary non-polyposis colorectal cancer, type 5; Colorectal cancer, hereditary nonpolyposis, type 5. Identifiers: Orphanet 144, MedGen C1833477, MONDO:0013710, OMIM 614350. Disease mechanism: loss of function.

Submissions (2):

Labcorp Genetics (formerly Invitae), Labcorp
Classification: Pathogenic for Hereditary nonpolyposis colorectal neoplasms. Last evaluated: 2024-04-29. Review status: criteria provided, single submitter. Criteria: Invitae Variant Classification Sherloc (09022015). Collection method: clinical testing. Allele origin: germline.
Comment: This sequence change creates a premature translational stop signal (p.Gln232Tyrfs*15) in the MSH6 gene. It is expected to result in an absent or disrupted protein product. Loss-of-function variants in MSH6 are known to be pathogenic (PMID: 18269114, 24362816). This variant is not present in population databases (gnomAD no frequency). This variant has not been reported in the literature in individuals affected with MSH6-related conditions. For these reasons, this variant has been classified as Pathogenic.

Myriad Genetics, Inc.
Classification: Pathogenic for Lynch syndrome 5. Last evaluated: 2024-01-17. Review status: criteria provided, single submitter. Criteria: Myriad Autosomal Dominant, Autosomal Recessive and X-Linked Classification Criteria (2023). Collection method: clinical testing. Allele origin: unknown.
Comment: This variant is considered pathogenic. This variant creates a frameshift predicted to result in premature protein truncation.

Literature cited by the submitters: PubMed 18269114 (cited by Labcorp Genetics (formerly Invitae), Labcorp); PubMed 24362816 (cited by Labcorp Genetics (formerly Invitae), Labcorp).

NM_000179.3(MSH6):c.692_693dup (p.Gln232fs)

Gene: MSH6 (mutS homolog 6; plus strand). Cytogenetic location: 2p16.3.
Variant type: Duplication.
Coding change: c.692_693dup on transcript NM_000179.3 (MANE Select); coding-DNA positions 692 to 693, 2 bases duplicated (TA; older notation c.692_693dupTA).
Protein change: p.Gln232fs; shifts the reading frame from glutamine 232.
Molecular consequence: frameshift variant. On other transcripts: 5 prime UTR variant (9), non-coding transcript variant (4), intron variant (1).
Genome position (GRCh38, 1-based): chr2:47,798,675-47,798,676, TA duplicated. VCF-style (leftmost placement, unchanged base first): chr2-47798674-G-GTA. GRCh37 (hg19) VCF-style: chr2-48025813-G-GTA.
Other names: c.302_303dup, p.Gln102fs (NM_001281492.2); c.-215_-214dup (NM_001281493.2, NM_001281494.2, NM_001406811.1 and 6 more transcripts); c.788_789dup, p.Gln264fs (NM_001406795.1, NM_001406802.1); c.692_693dup, p.Gln232fs (NM_001406796.1, NM_001406798.1, NM_001406800.1 and 4 more transcripts); c.395_396dup, p.Gln133fs (NM_001406797.1, NM_001406801.1, NM_001406805.1 and 10 more transcripts); c.167_168dup, p.Gln57fs (NM_001406799.1, NM_001406806.1, NM_001406807.1); c.614_615dup, p.Gln206fs (NM_001406804.1); c.698_699dup, p.Gln234fs (NM_001406813.1); and 2 more; short protein forms Q176fs, Q57fs, Q206fs, Q232fs, Q234fs, Q264fs, Q102fs, Q133fs.
Identifiers: ClinVar variation 3148676 (VCV003148676.3), dbSNP rs2530566074, ClinGen allele CA2825001109.
Genomic context (GRCh38, chr2:47,798,674, plus strand): 5'-GGCACAACTTACGTAACAGATAAGAGTGAAGAAGATAATGAAATTGAGAGTGAAGAGGAA[G>GTA]TACAGCCTAAGACACAAGGATCTAGGCGAAGTAGCCGCCAAATAAAAAAACGAAGGGTCA-3'